The following is an entry in ClinVar:

ClinVar aggregate classification (germline): Uncertain significance (1 of 4 stars; one submission).

Conditions:
Progressive familial heart block type IB (PFHB1B). Identifiers: Orphanet 871, MedGen C1970298, MONDO:0011474, OMIM 604559.

Submission:

Labcorp Genetics (formerly Invitae), Labcorp
Classification: Uncertain significance for Progressive familial heart block type IB. Last evaluated: 2022-03-18. Review status: criteria provided, single submitter. Criteria: Invitae Variant Classification Sherloc (09022015). Collection method: clinical testing. Allele origin: germline.
Comment: This sequence change replaces arginine, which is basic and polar, with proline, which is neutral and non-polar, at codon 415 of the TRPM4 protein (p.Arg415Pro). This variant is not present in population databases (gnomAD no frequency). This variant has not been reported in the literature in individuals affected with TRPM4-related conditions. ClinVar contains an entry for this variant (Variation ID: 1062044). Algorithms developed to predict the effect of missense changes on protein structure and function are either unavailable or do not agree on the potential impact of this missense change (SIFT: "Tolerated"; PolyPhen-2: "Possibly Damaging"; Align-GVGD: "Class C0"). In summary, the available evidence is currently insufficient to determine the role of this variant in disease. Therefore, it has been classified as a Variant of Uncertain Significance.

NM_017636.4(TRPM4):c.1244G>C (p.Arg415Pro)

Gene: TRPM4 (transient receptor potential cation channel subfamily M member 4; plus strand). Cytogenetic location: 19q13.33.
Variant type: single nucleotide variant.
Coding change: c.1244G>C on transcript NM_017636.4 (MANE Select); coding-DNA position 1244, G replaced by C.
Protein change: p.Arg415Pro; replaces arginine 415 with proline.
Molecular consequence: missense variant. On other transcripts: 5 prime UTR variant (1), intron variant (1).
Genome position (GRCh38, 1-based): chr19:49,181,442, G>C. VCF-style: chr19-49181442-G-C. GRCh37 (hg19) VCF-style: chr19-49684699-G-C.
Other names: c.1244G>C, p.Arg415Pro (NM_001195227.2); c.899G>C, p.Arg300Pro (NM_001321281.2); c.-310G>C (NM_001321282.2); c.722G>C, p.Arg241Pro (NM_001321283.2); c.202-1136G>C (NM_001321285.2); short protein forms R241P, R300P, R415P.
Identifiers: ClinVar variation 1062044 (VCV001062044.9), dbSNP rs372791133, ClinGen allele CA406797929.
Genomic context (GRCh38, chr19:49,181,442, plus strand): 5'-ATGAGCTGCGTTTGGCTGTGGCTTGGAACCGCGTGGACATTGCCCAGAGTGAACTCTTTC[G>C]GGGGGACATCCAATGGCGGGTGAGGGGTCAGGGCCTGGGGGTTGGGCATACTGACAAAGG-3'
Protein context (NP_060106.2, residues 405-425): RVDIAQSELF[Arg415Pro]GDIQWRSFHL